The following is an entry in ClinVar:

NM_006206.6(PDGFRA):c.2871A>G (p.Gln957=)

Gene: PDGFRA (platelet derived growth factor receptor alpha; plus strand). Cytogenetic location: 4q12.
Variant type: single nucleotide variant.
Coding change: c.2871A>G on transcript NM_006206.6 (MANE Select); coding-DNA position 2871, A replaced by G.
Protein change: p.Gln957=; no amino-acid change (glutamine 957 retained).
Molecular consequence: synonymous variant.
Genome position (GRCh38, 1-based): chr4:54,289,105, A>G. VCF-style: chr4-54289105-A-G. GRCh37 (hg19) VCF-style: chr4-55155272-A-G.
Other names: c.2946A>G, p.Gln982= (NM_001347828.2); c.2871A>G, p.Gln957= (NM_001347829.2); c.2910A>G, p.Gln970= (NM_001347830.2).
Identifiers: ClinVar variation 407414 (VCV000407414.43), dbSNP rs752373446, ClinGen allele CA2922966.

ClinVar aggregate classification (germline): Benign/Likely benign. Review status: criteria provided, multiple submitters, no conflicts (2 of 4 stars). 6 submissions from 6 submitters: Benign (2); Likely benign (4). Last evaluated 2026-08-11.

Conditions:
Polyps, multiple and recurrent inflammatory fibroid, gastrointestinal. Identifiers: MedGen C5193005, MONDO:0008285, OMIM 175510.
PDGFRA-related disorder. Also called: PDGFRA-related condition.
Gastrointestinal stromal tumor. Also called: Gastrointestinal stromal tumor, somatic; Gastrointestinal stroma tumor. Identifiers: Orphanet 44890, MedGen C0238198, MeSH D046152, MONDO:0011719, OMIM 606764, HP:0100723.
Hereditary cancer-predisposing syndrome. Also called: Neoplastic Syndromes, Hereditary; Hereditary neoplastic syndrome; Tumor predisposition; Hereditary Cancer Syndrome. Identifiers: Orphanet 140162, MedGen C0027672, MeSH D009386, MONDO:0015356.

Allele frequency attached by ClinVar (database versions not stated): TOPMed 0.00023; gnomAD 0.00035 and 0.00036.
gnomAD v4.1: 146 of 1,576,334 alleles (0.0093%); highest among the groups gnomAD compares: Admixed American, 0.13%; 1 homozygote.

Submissions (6):

PreventionGenetics, part of Exact Sciences
Classification: Likely benign for PDGFRA-related condition. Last evaluated: 2026-08-11. Review status: criteria provided, single submitter. Criteria: ACMG Guidelines, 2015. Collection method: clinical testing. Allele origin: germline.
Comment: This variant is classified as likely benign based on ACMG/AMP sequence variant interpretation guidelines (Richards et al. 2015 PMID: 25741868, with internal and published modifications).

Myriad Genetics, Inc.
Classification: Benign for Polyps, multiple and recurrent inflammatory fibroid, gastrointestinal. Last evaluated: 2026-06-17. Review status: criteria provided, single submitter. Criteria: Myriad Autosomal Dominant, Autosomal Recessive and X-Linked Classification Criteria (2023). Collection method: clinical testing. Allele origin: unknown.
Comment: This variant is considered benign. This variant is a silent/synonymous amino acid change and it is not expected to impact splicing.

Labcorp Genetics (formerly Invitae), Labcorp
Classification: Benign for Gastrointestinal stromal tumor. Last evaluated: 2026-01-14. Review status: criteria provided, single submitter. Criteria: Invitae Variant Classification Sherloc (09022015). Collection method: clinical testing. Allele origin: germline.

CeGaT Center for Human Genetics Tuebingen
Classification: Likely benign. Last evaluated: 2023-12-01. Review status: criteria provided, single submitter. Criteria: CeGaT Center For Human Genetics Tuebingen Variant Classification Criteria Version 2. Collection method: clinical testing. Allele origin: germline. Affected: yes. Observed: 1 variant allele.
Comment: PDGFRA: BP4, BP7

Genetic Services Laboratory, University of Chicago
Classification: Likely benign. Last evaluated: 2021-06-23. Review status: criteria provided, single submitter. Criteria: ACMG Guidelines, 2015. Collection method: clinical testing. Allele origin: germline. Affected: no.

Ambry Genetics
Classification: Likely benign for Hereditary cancer-predisposing syndrome. Last evaluated: 2019-05-17. Review status: criteria provided, single submitter. Criteria: Ambry Variant Classification Scheme 2023. Collection method: clinical testing. Allele origin: germline.